The following is an entry in ClinVar:

ClinVar aggregate classification (germline): Conflicting classifications of pathogenicity. Review status: criteria provided, conflicting classifications (1 of 4 stars). 3 submissions from 3 submitters: Uncertain significance (2); Likely benign (1). Last evaluated 2025-07-05.

Conditions:
Hereditary cancer-predisposing syndrome. Also called: Neoplastic Syndromes, Hereditary; Hereditary neoplastic syndrome; Tumor predisposition; Hereditary Cancer Syndrome. Identifiers: Orphanet 140162, MedGen C0027672, MeSH D009386, MONDO:0015356.
Familial meningioma. Also called: Meningioma, familial, susceptibility to. Identifiers: Orphanet 263662, MedGen C3551915, MONDO:0011789, OMIM 607174.

Allele frequency attached by ClinVar (database versions not stated): gnomAD exomes below 0.00001 and 0.00001; TOPMed 0.00001.
gnomAD v4.1: 8 of 1,614,182 alleles (0.0005%); highest among the groups gnomAD compares: African/African-American, 0.0013%; no homozygotes.

Submissions (3):

Labcorp Genetics (formerly Invitae), Labcorp
Classification: Uncertain significance for Familial meningioma. Last evaluated: 2025-07-05. Review status: criteria provided, single submitter. Criteria: Invitae Variant Classification Sherloc (09022015). Collection method: clinical testing. Allele origin: germline.
Comment: This sequence change replaces glutamine, which is neutral and polar, with arginine, which is basic and polar, at codon 315 of the SMARCE1 protein (p.Gln315Arg). This variant is present in population databases (no rsID available, gnomAD 0.0009%). This variant has not been reported in the literature in individuals affected with SMARCE1-related conditions. ClinVar contains an entry for this variant (Variation ID: 1395678). Invitae Evidence Modeling of protein sequence and biophysical properties (such as structural, functional, and spatial information, amino acid conservation, physicochemical variation, residue mobility, and thermodynamic stability) indicates that this missense variant is not expected to disrupt SMARCE1 protein function with a negative predictive value of 80%. In summary, the available evidence is currently insufficient to determine the role of this variant in disease. Therefore, it has been classified as a Variant of Uncertain Significance.

Ambry Genetics
Classification: Likely benign for Hereditary cancer-predisposing syndrome. Last evaluated: 2024-09-05. Review status: criteria provided, single submitter. Criteria: Ambry Variant Classification Scheme 2023. Collection method: clinical testing. Allele origin: germline.

Baylor Genetics
Classification: Uncertain significance for Familial meningioma. Last evaluated: 2023-08-03. Review status: criteria provided, single submitter. Criteria: ACMG Guidelines, 2015. Collection method: clinical testing. Allele origin: unknown.

NM_003079.5(SMARCE1):c.944A>G (p.Gln315Arg)

Gene: SMARCE1 (SWI/SNF related BAF chromatin remodeling complex subunit E1; minus strand). Cytogenetic location: 17q21.2.
Variant type: single nucleotide variant.
Coding change: c.944A>G on transcript NM_003079.5 (MANE Select); coding-DNA position 944, A replaced by G.
Protein change: p.Gln315Arg; replaces glutamine 315 with arginine.
Molecular consequence: missense variant.
Genome position (GRCh38, 1-based): chr17:40,630,797, T>C on the plus strand (A>G on the coding strand, the complement: SMARCE1 is on the minus strand). VCF-style: chr17-40630797-T-C. GRCh37 (hg19) VCF-style: chr17-38787049-T-C.
Other names: short protein forms Q315R.
Identifiers: ClinVar variation 1395678 (VCV001395678.13), dbSNP rs1444576393, ClinGen allele CA399363512.